The following is an entry in ClinVar:

ClinVar aggregate classification (germline): Uncertain significance (1 of 4 stars; one submission).

Conditions:
Aicardi-Goutieres syndrome 2. Identifiers: Orphanet 51, MedGen C3489724, MONDO:0012429, OMIM 610181.

Allele frequency attached by ClinVar (database versions not stated): TOPMed below 0.00001; gnomAD 0.00001.
gnomAD v4.1: 1 of 1,613,456 alleles (0.000062%); highest among the groups gnomAD compares: African/African-American, 0.0013%; no homozygotes.

Submission:

Labcorp Genetics (formerly Invitae), Labcorp
Classification: Uncertain significance for Aicardi-Goutieres syndrome 2. Last evaluated: 2024-08-02. Review status: criteria provided, single submitter. Criteria: Invitae Variant Classification Sherloc (09022015). Collection method: clinical testing. Allele origin: germline.
Comment: This sequence change replaces tyrosine, which is neutral and polar, with cysteine, which is neutral and slightly polar, at codon 100 of the RNASEH2B protein (p.Tyr100Cys). This variant is not present in population databases (gnomAD no frequency). This missense change has been observed in individual(s) with RNASEH2B-related conditions (Invitae). In at least one individual the data is consistent with being in trans (on the opposite chromosome) from a pathogenic variant. ClinVar contains an entry for this variant (Variation ID: 2066682). Advanced modeling of protein sequence and biophysical properties (such as structural, functional, and spatial information, amino acid conservation, physicochemical variation, residue mobility, and thermodynamic stability) has been performed at Invitae for this missense variant, however the output from this modeling did not meet the statistical confidence thresholds required to predict the impact of this variant on RNASEH2B protein function. In summary, the available evidence is currently insufficient to determine the role of this variant in disease. Therefore, it has been classified as a Variant of Uncertain Significance.

NM_024570.4(RNASEH2B):c.299A>G (p.Tyr100Cys)

Gene: RNASEH2B (ribonuclease H2 subunit B; plus strand). Cytogenetic location: 13q14.3.
Variant type: single nucleotide variant.
Coding change: c.299A>G on transcript NM_024570.4 (MANE Select); coding-DNA position 299, A replaced by G.
Protein change: p.Tyr100Cys; replaces tyrosine 100 with cysteine.
Molecular consequence: missense variant.
Genome position (GRCh38, 1-based): chr13:50,930,737, A>G. VCF-style: chr13-50930737-A-G. GRCh37 (hg19) VCF-style: chr13-51504873-A-G.
Other names: c.299A>G, p.Tyr100Cys (NM_001142279.2, NM_001411023.1); short protein forms Y100C.
Identifiers: ClinVar variation 2066682 (VCV002066682.3), dbSNP rs1951670203, ClinGen allele CA388259028.